The following is an entry in ClinVar:

NM_006514.4(SCN10A):c.1849A>T (p.Ile617Leu)

Gene: SCN10A (sodium voltage-gated channel alpha subunit 10; minus strand). Cytogenetic location: 3p22.2.
Variant type: single nucleotide variant.
Coding change: c.1849A>T on transcript NM_006514.4 (MANE Select); coding-DNA position 1849, A replaced by T.
Protein change: p.Ile617Leu; replaces isoleucine 617 with leucine.
Molecular consequence: missense variant.
Genome position (GRCh38, 1-based): chr3:38,750,091, T>A on the plus strand (A>T on the coding strand, the complement: SCN10A is on the minus strand). VCF-style: chr3-38750091-T-A. GRCh37 (hg19) VCF-style: chr3-38791582-T-A.
Other names: c.1849A>T, p.Ile617Leu (NM_001293306.2); c.1555A>T, p.Ile519Leu (NM_001293307.2); short protein forms I519L, I617L.
Identifiers: ClinVar variation 3225627 (VCV003225627.1), dbSNP rs2470767863, ClinGen allele CA352166541.

ClinVar aggregate classification (germline): Uncertain significance (1 of 4 stars; one submission).

Conditions:
Cardiovascular phenotype. Identifiers: MedGen CN230736.

Submission:

Ambry Genetics
Classification: Uncertain significance for Cardiovascular phenotype. Last evaluated: 2024-03-13. Review status: criteria provided, single submitter. Criteria: Ambry Variant Classification Scheme 2023. Collection method: clinical testing. Allele origin: germline.
Comment: The p.I617L variant (also known as c.1849A>T), located in coding exon 12 of the SCN10A gene, results from an A to T substitution at nucleotide position 1849. The isoleucine at codon 617 is replaced by leucine, an amino acid with highly similar properties. This amino acid position is conserved. In addition, this alteration is predicted to be tolerated by in silico analysis. Based on the available evidence, the clinical significance of this alteration remains unclear.